The following is an entry in ClinVar:

NM_005560.6(LAMA5):c.7706G>T (p.Ser2569Ile)

Gene: LAMA5 (laminin subunit alpha 5; minus strand). Cytogenetic location: 20q13.33.
Variant type: single nucleotide variant.
Coding change: c.7706G>T on transcript NM_005560.6 (MANE Select); coding-DNA position 7706, G replaced by T.
Protein change: p.Ser2569Ile; replaces serine 2569 with isoleucine.
Molecular consequence: missense variant.
Genome position (GRCh38, 1-based): chr20:62,316,721, C>A on the plus strand (G>T on the coding strand, the complement: LAMA5 is on the minus strand). VCF-style: chr20-62316721-C-A. GRCh37 (hg19) VCF-style: chr20-60891777-C-A.
Other names: short protein forms S2569I.
Identifiers: ClinVar variation 2266810 (VCV002266810.6), dbSNP rs200192634, ClinGen allele CA9941076.

ClinVar aggregate classification (germline): Uncertain significance. Review status: criteria provided, multiple submitters, no conflicts (2 of 4 stars). 2 submissions from 2 submitters: Uncertain significance (2). Last evaluated 2024-08-06.

Conditions:
Inborn genetic diseases. Identifiers: MedGen C0950123, MeSH D030342.

Allele frequency attached by ClinVar (database versions not stated): gnomAD exomes below 0.00001; gnomAD 0.00001; TOPMed 0.00002; ExAC 0.00003; 1000 Genomes Project 0.00020; 1000 Genomes Project 30x 0.00031.
gnomAD v4.1: 2 of 1,609,824 alleles (0.00012%); highest among the groups gnomAD compares: East Asian, 0.0045%; no homozygotes.

Submissions (2):

Ambry Genetics
Classification: Uncertain significance for Inborn genetic diseases. Last evaluated: 2024-08-06. Review status: criteria provided, single submitter. Criteria: Ambry Variant Classification Scheme 2023. Collection method: clinical testing. Allele origin: germline.

Labcorp Genetics (formerly Invitae), Labcorp
Classification: Uncertain significance. Last evaluated: 2023-10-05. Review status: criteria provided, single submitter. Criteria: Invitae Variant Classification Sherloc (09022015). Collection method: clinical testing. Allele origin: germline.
Comment: This sequence change replaces serine, which is neutral and polar, with isoleucine, which is neutral and non-polar, at codon 2569 of the LAMA5 protein (p.Ser2569Ile). This variant is present in population databases (rs200192634, gnomAD 0.03%). This variant has not been reported in the literature in individuals affected with LAMA5-related conditions. ClinVar contains an entry for this variant (Variation ID: 2266810). Advanced modeling of protein sequence and biophysical properties (such as structural, functional, and spatial information, amino acid conservation, physicochemical variation, residue mobility, and thermodynamic stability) performed at Invitae indicates that this missense variant is not expected to disrupt LAMA5 protein function. In summary, the available evidence is currently insufficient to determine the role of this variant in disease. Therefore, it has been classified as a Variant of Uncertain Significance.